The following is an entry in ClinVar:

ClinVar aggregate classification (germline): Likely pathogenic (1 of 4 stars; one submission).

Conditions:
Joubert syndrome. Also called: CEREBELLOPARENCHYMAL DISORDER IV; JOUBERT-BOLTSHAUSER SYNDROME; Familial aplasia of the vermis. Identifiers: Orphanet 475, MedGen C5979921, MONDO:0018772.
Meckel-Gruber syndrome. Also called: DYSENCEPHALIA SPLANCHNOCYSTICA; GRUBER SYNDROME; Dysencephalia splachnocystica. Identifiers: Orphanet 564, MedGen C0265215, MONDO:0018921.

Submission:

Labcorp Genetics (formerly Invitae), Labcorp
Classification: Likely pathogenic for Joubert syndrome; Meckel-Gruber syndrome. Last evaluated: 2024-02-20. Review status: criteria provided, single submitter. Criteria: Invitae Variant Classification Sherloc (09022015). Collection method: clinical testing. Allele origin: germline.
Comment: This sequence change affects an acceptor splice site in intron 10 of the TMEM67 gene. It is expected to disrupt RNA splicing. Variants that disrupt the donor or acceptor splice site typically lead to a loss of protein function (PMID: 16199547), and loss-of-function variants in TMEM67 are known to be pathogenic (PMID: 20232449, 23559409). This variant is not present in population databases (gnomAD no frequency). This variant has not been reported in the literature in individuals affected with TMEM67-related conditions. Algorithms developed to predict the effect of sequence changes on RNA splicing suggest that this variant may disrupt the consensus splice site. In summary, the currently available evidence indicates that the variant is pathogenic, but additional data are needed to prove that conclusively. Therefore, this variant has been classified as Likely Pathogenic.

Literature cited by the submitters: PubMed 16199547; PubMed 20232449; PubMed 23559409.

NM_153704.6(TMEM67):c.1066-1G>T

Gene: TMEM67 (transmembrane protein 67; plus strand). Cytogenetic location: 8q22.1.
Variant type: single nucleotide variant.
Coding change: c.1066-1G>T on transcript NM_153704.6 (MANE Select); the canonical splice acceptor site of the intron before coding-DNA position 1066, G replaced by T.
Molecular consequence: splice acceptor variant.
Genome position (GRCh38, 1-based): chr8:93,782,394, G>T. VCF-style: chr8-93782394-G-T. GRCh37 (hg19) VCF-style: chr8-94794622-G-T.
Other names: c.823-1G>T (NM_001142301.1).
Identifiers: ClinVar variation 3754835 (VCV003754835.2).